The following is an entry in ClinVar:

NM_031935.3(HMCN1):c.1525C>T (p.Arg509Trp)

Gene: HMCN1 (hemicentin 1; plus strand). Cytogenetic location: 1q31.1.
Variant type: single nucleotide variant.
Coding change: c.1525C>T on transcript NM_031935.3 (MANE Select); coding-DNA position 1525, C replaced by T.
Protein change: p.Arg509Trp; replaces arginine 509 with tryptophan.
Molecular consequence: missense variant.
Genome position (GRCh38, 1-based): chr1:185,928,640, C>T. VCF-style: chr1-185928640-C-T. GRCh37 (hg19) VCF-style: chr1-185897772-C-T.
Other names: short protein forms R509W.
Identifiers: ClinVar variation 1449167 (VCV001449167.6), dbSNP rs531770127, ClinGen allele CA1291128.

ClinVar aggregate classification (germline): Uncertain significance (1 of 4 stars; one submission).

Allele frequency attached by ClinVar (database versions not stated): ExAC 0.00002; gnomAD exomes 0.00002; gnomAD 0.00004 and 0.00005; TOPMed 0.00006; 1000 Genomes Project 30x 0.00016; 1000 Genomes Project 0.00020.
gnomAD v4.1: 39 of 1,613,446 alleles (0.0024%); highest among the groups gnomAD compares: Middle Eastern, 0.033%; no homozygotes.

Submission:

Labcorp Genetics (formerly Invitae), Labcorp
Classification: Uncertain significance. Last evaluated: 2025-11-27. Review status: criteria provided, single submitter. Criteria: Invitae Variant Classification Sherloc (09022015). Collection method: clinical testing. Allele origin: germline.
Comment: This sequence change replaces arginine, which is basic and polar, with tryptophan, which is neutral and slightly polar, at codon 509 of the HMCN1 protein (p.Arg509Trp). This variant is present in population databases (rs531770127, gnomAD 0.02%). This variant has not been reported in the literature in individuals affected with HMCN1-related conditions. ClinVar contains an entry for this variant (Variation ID: 1449167). An algorithm developed to predict the effect of missense changes on protein structure and function (PolyPhen-2) suggests that this variant is likely to be disruptive. In summary, the available evidence is currently insufficient to determine the role of this variant in disease. Therefore, it has been classified as a Variant of Uncertain Significance.